The following is an entry in ClinVar:

ClinVar aggregate classification (germline): Uncertain significance. Review status: criteria provided, multiple submitters, no conflicts (2 of 4 stars). 3 submissions from 3 submitters: Uncertain significance (3). Last evaluated 2026-02-05.

Conditions:
Inborn genetic diseases. Identifiers: MedGen C0950123, MeSH D030342.

Allele frequency attached by ClinVar (database versions not stated): TOPMed 0.00002; gnomAD 0.00001.
gnomAD v4.1: 5 of 1,614,008 alleles (0.00031%); highest among the groups gnomAD compares: African/African-American, 0.0053%; no homozygotes.

Submissions (3):

Dasa
Classification: Uncertain significance. Last evaluated: 2026-02-05. Review status: criteria provided, single submitter. Criteria: DASA Assertion Criteria. Collection method: clinical testing. Allele origin: germline.
Comment: NM_003184.4(TAF2):c.2177T>G (p.Met726Arg) is a missense variant that results in the substitution of methionine with arginine. This variant is rare in population databases. The currently available literature and clinical evidence are not sufficient to establish a definitive association between this variant and the reported condition. Therefore, this variant is classified as a variant of uncertain significance.

Ambry Genetics
Classification: Uncertain significance for Inborn genetic diseases. Last evaluated: 2025-09-25. Review status: criteria provided, single submitter. Criteria: Ambry Variant Classification Scheme 2023. Collection method: clinical testing. Allele origin: germline.

Labcorp Genetics (formerly Invitae), Labcorp
Classification: Uncertain significance. Last evaluated: 2022-11-01. Review status: criteria provided, single submitter. Criteria: Invitae Variant Classification Sherloc (09022015). Collection method: clinical testing. Allele origin: germline.
Comment: In summary, the available evidence is currently insufficient to determine the role of this variant in disease. Therefore, it has been classified as a Variant of Uncertain Significance. Advanced modeling of protein sequence and biophysical properties (such as structural, functional, and spatial information, amino acid conservation, physicochemical variation, residue mobility, and thermodynamic stability) performed at Invitae indicates that this missense variant is not expected to disrupt TAF2 protein function. This variant has not been reported in the literature in individuals affected with TAF2-related conditions. This variant is present in population databases (no rsID available, gnomAD 0.01%). This sequence change replaces methionine, which is neutral and non-polar, with arginine, which is basic and polar, at codon 726 of the TAF2 protein (p.Met726Arg).

NM_003184.4(TAF2):c.2177T>G (p.Met726Arg)

Gene: TAF2 (TATA-box binding protein associated factor 2; minus strand). Cytogenetic location: 8q24.12.
Variant type: single nucleotide variant.
Coding change: c.2177T>G on transcript NM_003184.4 (MANE Select); coding-DNA position 2177, T replaced by G.
Protein change: p.Met726Arg; replaces methionine 726 with arginine.
Molecular consequence: missense variant.
Genome position (GRCh38, 1-based): chr8:119,781,129, A>C on the plus strand (T>G on the coding strand, the complement: TAF2 is on the minus strand). VCF-style: chr8-119781129-A-C. GRCh37 (hg19) VCF-style: chr8-120793369-A-C.
Other names: c.2177T>G (NM_003184.3); short protein forms M726R.
Identifiers: ClinVar variation 1961588 (VCV001961588.6), dbSNP rs1026495699, ClinGen allele CA184329074.